The following is an entry in ClinVar:

ClinVar aggregate classification (germline): Uncertain significance (1 of 4 stars; one submission).

Conditions:
Dyskeratosis congenita. Identifiers: Orphanet 1775, MedGen C0265965, MONDO:0015780.

Allele frequency attached by ClinVar (database versions not stated): 1000 Genomes Project 0.00060; 1000 Genomes Project 30x 0.00094.
gnomAD v4.1: 27 of 1,610,888 alleles (0.0017%); highest among the groups gnomAD compares: East Asian, 0.016%; no homozygotes.

Submission:

Labcorp Genetics (formerly Invitae), Labcorp
Classification: Uncertain significance for Dyskeratosis congenita. Last evaluated: 2026-01-13. Review status: criteria provided, single submitter. Criteria: Invitae Variant Classification Sherloc (09022015). Collection method: clinical testing. Allele origin: germline.
Comment: This sequence change replaces proline, which is neutral and non-polar, with leucine, which is neutral and non-polar, at codon 9 of the CTC1 protein (p.Pro9Leu). This variant is present in population databases (rs377386669, gnomAD 0.03%). This variant has not been reported in the literature in individuals affected with CTC1-related conditions. ClinVar contains an entry for this variant (Variation ID: 855509). An algorithm developed to predict the effect of missense changes on protein structure and function outputs the following: PolyPhen-2: "Benign". The leucine amino acid residue is found in multiple mammalian species, which suggests that this missense change does not adversely affect protein function. In summary, the available evidence is currently insufficient to determine the role of this variant in disease. Therefore, it has been classified as a Variant of Uncertain Significance.

NM_025099.6(CTC1):c.26C>T (p.Pro9Leu)

Genes: CTC1 (CST telomere replication complex component 1; minus strand), PFAS (phosphoribosylformylglycinamidine synthase; plus strand). Cytogenetic location: 17p13.1.
Variant type: single nucleotide variant.
Coding change: c.26C>T on transcript NM_025099.6 (MANE Select); coding-DNA position 26, C replaced by T.
Protein change: p.Pro9Leu; replaces proline 9 with leucine.
Molecular consequence: missense variant. On other transcripts: non-coding transcript variant (1).
Genome position (GRCh38, 1-based): chr17:8,248,011, G>A on the plus strand (C>T on the coding strand, the complement: CTC1 is on the minus strand). VCF-style: chr17-8248011-G-A. GRCh37 (hg19) VCF-style: chr17-8151329-G-A.
Other names: short protein forms P9L.
Identifiers: ClinVar variation 855509 (VCV000855509.9), dbSNP rs377386669, ClinGen allele CA8372753.